The following is an entry in ClinVar:

ClinVar aggregate classification (germline): Uncertain significance (1 of 4 stars; one submission).

gnomAD v4.1: 7 of 1,613,672 alleles (0.00043%); highest among the groups gnomAD compares: Admixed American, 0.0017%; no homozygotes.

Submission:

Labcorp Genetics (formerly Invitae), Labcorp
Classification: Uncertain significance. Last evaluated: 2026-01-09. Review status: criteria provided, single submitter. Criteria: Invitae Variant Classification Sherloc (09022015). Collection method: clinical testing. Allele origin: germline.
Comment: This sequence change replaces threonine, which is neutral and polar, with methionine, which is neutral and non-polar, at codon 686 of the SLIT2 protein (p.Thr686Met). This variant is present in population databases (rs766635546, gnomAD 0.0009%). This variant has not been reported in the literature in individuals affected with SLIT2-related conditions. An algorithm developed to predict the effect of missense changes on protein structure and function (PolyPhen-2) suggests that this variant is likely to be disruptive. In summary, the available evidence is currently insufficient to determine the role of this variant in disease. Therefore, it has been classified as a Variant of Uncertain Significance.

NM_004787.4(SLIT2):c.2057C>T (p.Thr686Met)

Gene: SLIT2 (slit guidance ligand 2; plus strand). Cytogenetic location: 4p15.31.
Variant type: single nucleotide variant.
Coding change: c.2057C>T on transcript NM_004787.4 (MANE Select); coding-DNA position 2057, C replaced by T.
Protein change: p.Thr686Met; replaces threonine 686 with methionine.
Molecular consequence: missense variant.
Genome position (GRCh38, 1-based): chr4:20,541,533, C>T. VCF-style: chr4-20541533-C-T. GRCh37 (hg19) VCF-style: chr4-20543156-C-T.
Other names: c.2045C>T, p.Thr682Met (NM_001289135.3); c.2033C>T, p.Thr678Met (NM_001289136.3); short protein forms T678M, T682M, T686M.
Identifiers: ClinVar variation 4705993 (VCV004705993.1).